The following is an entry in ClinVar:

ClinVar aggregate classification (germline): Uncertain significance (1 of 4 stars; one submission).

Allele frequency attached by ClinVar (database versions not stated): TOPMed 0.00002; gnomAD 0.00004; ESP Exome Variant Server 0.00015.

Submission:

Labcorp Genetics (formerly Invitae), Labcorp
Classification: Uncertain significance. Last evaluated: 2025-12-29. Review status: criteria provided, single submitter. Criteria: Invitae Variant Classification Sherloc (09022015). Collection method: clinical testing. Allele origin: germline.
Comment: This sequence change falls in intron 9 of the GUCY2C gene. It does not directly change the encoded amino acid sequence of the GUCY2C protein. It affects a nucleotide within the consensus splice site. This variant is present in population databases (rs372300028, gnomAD 0.003%). This variant has been observed in individual(s) with clinical features of GUCY2C-related conditions (internal data). ClinVar contains an entry for this variant (Variation ID: 1525190). Variants that disrupt the consensus splice site are a relatively common cause of aberrant splicing (PMID: 17576681, 9536098). Algorithms developed to predict the effect of sequence changes on RNA splicing suggest that this variant may disrupt the consensus splice site. In summary, the available evidence is currently insufficient to determine the role of this variant in disease. Therefore, it has been classified as a Variant of Uncertain Significance.

Literature cited by the submitters: PubMed 17576681; PubMed 9536098.

NM_004963.4(GUCY2C):c.1170+5G>C

Genes: GUCY2C (guanylate cyclase 2C; minus strand), GUCY2C-AS1 (GUCY2C antisense RNA 1; plus strand). Cytogenetic location: 12p12.3.
Variant type: single nucleotide variant.
Coding change: c.1170+5G>C on transcript NM_004963.4 (MANE Select); 5 bases into the intron after coding-DNA position 1170, G replaced by C.
Molecular consequence: intron variant.
Genome position (GRCh38, 1-based): chr12:14,672,868, C>G on the plus strand (G>C on the coding strand, the complement: GUCY2C is on the minus strand). VCF-style: chr12-14672868-C-G. GRCh37 (hg19) VCF-style: chr12-14825802-C-G.
Identifiers: ClinVar variation 1525190 (VCV001525190.8), dbSNP rs372300028, ClinGen allele CA6463521.
Genomic context (GRCh38, chr12:14,672,868, plus strand): 5'-TTCCAAGTTACCCCTCCTCACCCAGTCACAGCACCCTGAATTTTCTGATAAGCAGTGAGA[C>G]ATACTTTCTTGGTGTCCACAGAGGTATACAGAAGCACCATGGTACTGTCAACATCCCCCC-3'